The following is an entry in ClinVar:

ClinVar aggregate classification (germline): Likely pathogenic (1 of 4 stars; one submission).

Conditions:
Okur-Chung neurodevelopmental syndrome (OCNDS). Identifiers: Orphanet 689422, MedGen C4310739, MONDO:0014893, OMIM 617062.

Submission:

Johns Hopkins Genomics, Johns Hopkins University
Classification: Likely pathogenic for Okur-Chung neurodevelopmental syndrome. Last evaluated: 2020-03-06. Review status: criteria provided, single submitter. Criteria: ACMG Guidelines, 2015. Collection method: clinical testing. Allele origin: germline.
Comment: CSNK2A1 c.367-1G>A is absent from a large population dataset, and has not been reported in ClinVar nor the literature, to our knowledge. This variant destroys a canonical splice acceptor site and is predicted to cause abnormal gene splicing. We consider this variant to be likely pathogenic.

Literature cited by the submitters: PubMed 27048600; PubMed 29240241; PubMed 29383814.

NM_177559.3(CSNK2A1):c.367-1G>A

Gene: CSNK2A1 (casein kinase 2 alpha 1; minus strand). Cytogenetic location: 20p13.
Variant type: single nucleotide variant.
Coding change: c.367-1G>A on transcript NM_177559.3 (MANE Select); the canonical splice acceptor site of the intron before coding-DNA position 367, G replaced by A.
Molecular consequence: splice acceptor variant.
Genome position (GRCh38, 1-based): chr20:497,781, C>T on the plus strand (G>A on the coding strand, the complement: CSNK2A1 is on the minus strand). VCF-style: chr20-497781-C-T. GRCh37 (hg19) VCF-style: chr20-478425-C-T.
Other names: c.-42-1G>A (NM_177560.3); c.367-1G>A (NM_001362771.2, NM_001895.4, NM_001362770.2).
Identifiers: ClinVar variation 973856 (VCV000973856.1), dbSNP rs2018375840, ClinGen allele CA407935066.